The following is an entry in ClinVar:

NM_001270.4(CHD1):c.4399A>G (p.Asn1467Asp)

Gene: CHD1 (chromodomain helicase DNA binding protein 1; minus strand). Cytogenetic location: 5q15.
Variant type: single nucleotide variant.
Coding change: c.4399A>G on transcript NM_001270.4 (MANE Select); coding-DNA position 4399, A replaced by G.
Protein change: p.Asn1467Asp; replaces asparagine 1467 with aspartic acid.
Molecular consequence: missense variant. On other transcripts: non-coding transcript variant (1).
Genome position (GRCh38, 1-based): chr5:98,863,436, T>C on the plus strand (A>G on the coding strand, the complement: CHD1 is on the minus strand). VCF-style: chr5-98863436-T-C. GRCh37 (hg19) VCF-style: chr5-98199140-T-C.
Other names: c.4663A>G, p.Asn1555Asp (NM_001364113.3); c.4399A>G, p.Asn1467Asp (NM_001376194.2); short protein forms N1467D, N1555D.
Identifiers: ClinVar variation 2372196 (VCV002372196.16), dbSNP rs766810280, ClinGen allele CA3355715.

ClinVar aggregate classification (germline): Conflicting classifications of pathogenicity. Review status: criteria provided, conflicting classifications (1 of 4 stars). 3 submissions from 3 submitters: Uncertain significance (2); Likely benign (1). Last evaluated 2024-12-01.

Allele frequency attached by ClinVar (database versions not stated): ExAC 0.00002; TOPMed 0.00002; gnomAD 0.00003.

Submissions (3):

CeGaT Center for Human Genetics Tuebingen
Classification: Uncertain significance. Last evaluated: 2024-12-01. Review status: criteria provided, single submitter. Criteria: CeGaT Center For Human Genetics Tuebingen Variant Classification Criteria Version 2. Collection method: clinical testing. Allele origin: germline. Affected: yes. Observed: 1 variant allele.
Comment: CHD1: PP2

Blueprint Genetics
Classification: Likely benign. Last evaluated: 2024-09-23. Review status: criteria provided, single submitter. Criteria: ACMG Guidelines, 2015. Collection method: clinical testing. Allele origin: germline.

Ambry Genetics
Classification: Uncertain significance. Last evaluated: 2021-09-01. Review status: criteria provided, single submitter. Criteria: Ambry Variant Classification Scheme 2023. Collection method: clinical testing. Allele origin: germline.